The following is an entry in ClinVar:

NM_018136.5(ASPM):c.7684A>G (p.Ser2562Gly)

Gene: ASPM (assembly factor for spindle microtubules; minus strand). Cytogenetic location: 1q31.3.
Variant type: single nucleotide variant.
Coding change: c.7684A>G on transcript NM_018136.5 (MANE Select); coding-DNA position 7684, A replaced by G.
Protein change: p.Ser2562Gly; replaces serine 2562 with glycine.
Molecular consequence: missense variant. On other transcripts: intron variant (1).
Genome position (GRCh38, 1-based): chr1:197,101,567, T>C on the plus strand (A>G on the coding strand, the complement: ASPM is on the minus strand). VCF-style: chr1-197101567-T-C. GRCh37 (hg19) VCF-style: chr1-197070697-T-C.
Other names: c.4066-5403A>G (NM_001206846.2); short protein forms S2562G.
Identifiers: ClinVar variation 21605 (VCV000021605.27), dbSNP rs41310927, ClinGen allele CA171255.

ClinVar aggregate classification (germline): Benign. Review status: criteria provided, multiple submitters, no conflicts (2 of 4 stars). 13 submissions from 13 submitters: Benign (9). 4 of the submissions do not count toward it. Last evaluated 2026-02-04.

Conditions:
Microcephaly 5, primary, autosomal recessive (MCPH5). Also called: ASPM Primary Microcephaly. Identifiers: Orphanet 2512, MedGen C1837501, MONDO:0012106, OMIM 608716.

Allele frequency attached by ClinVar (database versions not stated): 1000 Genomes Project 0.21426; TOPMed 0.28574; gnomAD 0.30288 and 0.30294; 1000 Genomes Project 30x 0.21159; ESP Exome Variant Server 0.32108; gnomAD exomes 0.33518 and 0.39858; ExAC 0.34088.
gnomAD v4.1: 624,521 of 1,606,932 alleles (39%); highest among the groups gnomAD compares: Non-Finnish European, 43%; 129,342 homozygotes.

Submissions (13):

Labcorp Genetics (formerly Invitae), Labcorp
Classification: Benign. Last evaluated: 2026-02-04. Review status: criteria provided, single submitter. Criteria: Invitae Variant Classification Sherloc (09022015). Collection method: clinical testing. Allele origin: germline.

Blueprint Genetics
Classification: Benign. Last evaluated: 2024-11-26. Review status: criteria provided, single submitter. Criteria: ACMG Guidelines, 2015. Collection method: clinical testing. Allele origin: germline.

Genome-Nilou Lab
Classification: Benign for Microcephaly 5, primary, autosomal recessive. Last evaluated: 2021-07-14. Review status: criteria provided, single submitter. Criteria: ACMG Guidelines, 2015. Collection method: clinical testing. Allele origin: germline. Affected: no.

Illumina Laboratory Services, Illumina
Classification: Benign for Microcephaly 5, primary, autosomal recessive. Last evaluated: 2018-01-13. Review status: criteria provided, single submitter. Criteria: ICSL Variant Classification Criteria 13 December 2019. Collection method: clinical testing. Allele origin: germline.
Comment: This variant was observed in the ICSL laboratory as part of a predisposition screen in an ostensibly healthy population. It had not been previously curated by ICSL or reported in the Human Gene Mutation Database (HGMD: prior to June 1st, 2018), and was therefore a candidate for classification through an automated scoring system. Utilizing variant allele frequency, disease prevalence and penetrance estimates, and inheritance mode, an automated score was calculated to assess if this variant is too frequent to cause the disease. Based on the score and internal cut-off values, a variant classified as benign is not then subjected to further curation. The score for this variant resulted in a classification of benign for this disease.

Athena Diagnostics
Classification: Benign. Last evaluated: 2017-08-02. Review status: criteria provided, single submitter. Criteria: Athena Diagnostics Criteria. Collection method: clinical testing. Allele origin: germline.

GeneDx
Classification: Benign. Last evaluated: 2015-03-03. Review status: criteria provided, single submitter. Criteria: GeneDx Variant Classification Process June 2021. Collection method: clinical testing. Allele origin: germline. Affected: yes.

Genetic Services Laboratory, University of Chicago
Classification: Benign. Last evaluated: 2013-02-08. Review status: criteria provided, single submitter. Criteria: ACMG Guidelines, 2007. Collection method: clinical testing. Allele origin: germline. Inheritance: Autosomal recessive inheritance.

Breakthrough Genomics
Classification: Benign. Review status: criteria provided, single submitter. Criteria: ACMG Guidelines, 2015. Collection method: not provided. Allele origin: germline. Inheritance: Autosomal recessive inheritance. Affected: yes.

PreventionGenetics, part of Exact Sciences
Classification: Benign. Review status: criteria provided, single submitter. Criteria: ACMG Guidelines, 2015. Collection method: clinical testing. Allele origin: germline.

Clinical Genetics DNA and cytogenetics Diagnostics Lab, Erasmus MC, Erasmus Medical Center
Classification: Benign. Review status: no assertion criteria provided. Collection method: clinical testing. Allele origin: germline. Affected: yes. Study: VKGL Data-share Consensus. Not counted in ClinVar's aggregate classification.

Diagnostic Laboratory, Department of Genetics, University Medical Center Groningen
Classification: Benign for Microcephaly 5, primary, autosomal recessive. Review status: no assertion criteria provided. Collection method: clinical testing. Allele origin: germline. Affected: yes. Study: VKGL Data-share Consensus. Not counted in ClinVar's aggregate classification.

GeneReviews
No classification provided. Condition: Microcephaly 5, primary, autosomal recessive. Review status: no classification provided. Collection method: literature only. Allele origin: unknown. Not counted in ClinVar's aggregate classification.

Joint Genome Diagnostic Labs from Nijmegen and Maastricht, Radboudumc and MUMC+
Classification: Benign. Review status: no assertion criteria provided. Collection method: clinical testing. Allele origin: germline. Affected: yes. Study: VKGL Data-share Consensus. Not counted in ClinVar's aggregate classification.

Literature cited by the submitters: PubMed 20301772 (cited by GeneReviews); NCBI Bookshelf NBK9587 (cited by GeneReviews).